The following is an entry in ClinVar:

ClinVar aggregate classification (germline): Uncertain significance. Review status: criteria provided, multiple submitters, no conflicts (2 of 4 stars). 4 submissions from 2 submitters: Uncertain significance (4). Last evaluated 2022-07-21.

Conditions:
Inborn genetic diseases. Identifiers: MedGen C0950123, MeSH D030342.
Juvenile nephropathic cystinosis. Also called: CYSTINOSIS, LATE-ONSET JUVENILE OR ADOLESCENT NEPHROPATHIC TYPE; Intermediate Cystinosis; Later-Onset (Juvenile) Cystinosis. Identifiers: Orphanet 213, Orphanet 411634, MedGen C0268626, MONDO:0009066, OMIM 219900.
Ocular cystinosis. Also called: Non-Nephropathic Cystinosis; Non-Nephropathic (Ocular) Cystinosis. Identifiers: Orphanet 213, Orphanet 411641, MedGen C2931013, MONDO:0009064, OMIM 219750.
Nephropathic cystinosis (CTNS). Also called: Abderhalden Lignac Kaufmann disease; Abderhalden-Kaufmann-Lignac syndrome; CYSTINOSIN, DEFECT OF; LYSOSOMAL CYSTINE TRANSPORT PROTEIN, DEFECT OF. Identifiers: Orphanet 213, Orphanet 411629, MedGen C2931187, MONDO:0100151, OMIM 219800.

Allele frequency attached by ClinVar (database versions not stated): gnomAD 0.00001; gnomAD exomes 0.00001 and 0.00002; TOPMed 0.00001; ExAC 0.00002.
gnomAD v4.1: 11 of 1,614,028 alleles (0.00068%); highest among the groups gnomAD compares: Admixed American, 0.0067%; no homozygotes.

Submissions (4):

Labcorp Genetics (formerly Invitae), Labcorp
Classification: Uncertain significance for Inborn genetic diseases; Ocular cystinosis; Juvenile nephropathic cystinosis. Last evaluated: 2022-07-21. Review status: criteria provided, single submitter. Criteria: Invitae Variant Classification Sherloc (09022015). Collection method: clinical testing. Allele origin: germline.
Comment: This sequence change replaces arginine, which is basic and polar, with cysteine, which is neutral and slightly polar, at codon 63 of the CTNS protein (p.Arg63Cys). This variant is present in population databases (rs555311279, gnomAD 0.009%). This variant has not been reported in the literature in individuals affected with CTNS-related conditions. ClinVar contains an entry for this variant (Variation ID: 1210394). Advanced modeling of protein sequence and biophysical properties (such as structural, functional, and spatial information, amino acid conservation, physicochemical variation, residue mobility, and thermodynamic stability) performed at Invitae indicates that this missense variant is not expected to disrupt CTNS protein function. Algorithms developed to predict the effect of sequence changes on RNA splicing suggest that this variant may disrupt the consensus splice site. In summary, the available evidence is currently insufficient to determine the role of this variant in disease. Therefore, it has been classified as a Variant of Uncertain Significance.

Genome-Nilou Lab
Classification: Uncertain significance for Nephropathic cystinosis. Last evaluated: 2021-07-22. Review status: criteria provided, single submitter. Criteria: ACMG Guidelines, 2015. Collection method: clinical testing. Allele origin: germline. Affected: no.

Genome-Nilou Lab
Classification: Uncertain significance for Juvenile nephropathic cystinosis. Last evaluated: 2021-07-22. Review status: criteria provided, single submitter. Criteria: ACMG Guidelines, 2015. Collection method: clinical testing. Allele origin: germline. Affected: no.

Genome-Nilou Lab
Classification: Uncertain significance for Ocular cystinosis. Last evaluated: 2021-07-22. Review status: criteria provided, single submitter. Criteria: ACMG Guidelines, 2015. Collection method: clinical testing. Allele origin: germline. Affected: no.

NM_004937.3(CTNS):c.187C>T (p.Arg63Cys)

Gene: CTNS (cystinosin, lysosomal cystine transporter; plus strand). Cytogenetic location: 17p13.2.
Variant type: single nucleotide variant.
Coding change: c.187C>T on transcript NM_004937.3 (MANE Select); coding-DNA position 187, C replaced by T.
Protein change: p.Arg63Cys; replaces arginine 63 with cysteine.
Molecular consequence: missense variant. On other transcripts: 5 prime UTR variant (1), intron variant (3).
Genome position (GRCh38, 1-based): chr17:3,648,893, C>T. VCF-style: chr17-3648893-C-T. GRCh37 (hg19) VCF-style: chr17-3552187-C-T.
Other names: c.187C>T, p.Arg63Cys (NM_001031681.3, NM_001374492.1); c.-255C>T (NM_001374494.1); c.-217+1371C>T (NM_001374493.1, NM_001374496.1); c.-216-6105C>T (NM_001374495.1); short protein forms R63C.
Identifiers: ClinVar variation 1210394 (VCV001210394.5), dbSNP rs555311279, ClinGen allele CA8291597.